The following is an entry in ClinVar:

NM_004525.3(LRP2):c.10654T>G (p.Phe3552Val)

Gene: LRP2 (LDL receptor related protein 2; minus strand). Cytogenetic location: 2q31.1.
Variant type: single nucleotide variant.
Coding change: c.10654T>G on transcript NM_004525.3 (MANE Select); coding-DNA position 10654, T replaced by G.
Protein change: p.Phe3552Val; replaces phenylalanine 3552 with valine.
Molecular consequence: missense variant.
Genome position (GRCh38, 1-based): chr2:169,175,307, A>C on the plus strand (T>G on the coding strand, the complement: LRP2 is on the minus strand). VCF-style: chr2-169175307-A-C. GRCh37 (hg19) VCF-style: chr2-170031817-A-C.
Other names: short protein forms F3552V.
Identifiers: ClinVar variation 1343594 (VCV001343594.1), dbSNP rs2105284304, ClinGen allele CA349146573.

ClinVar aggregate classification (germline): Uncertain significance (1 of 4 stars; one submission).

Submission:

Women's Health and Genetics/Laboratory Corporation of America, LabCorp
Classification: Uncertain significance. Last evaluated: 2022-02-28. Review status: criteria provided, single submitter. Criteria: LabCorp Variant Classification Summary - May 2015. Collection method: clinical testing. Allele origin: germline.
Comment: Variant summary: LRP2 c.10654T>G (p.Phe3552Val) results in a non-conservative amino acid change in the encoded protein sequence. Four of five in-silico tools predict a benign effect of the variant on protein function. The variant was absent in 251320 control chromosomes. The available data on variant occurrences in the general population are insufficient to allow any conclusion about variant significance. To our knowledge, no occurrence of c.10654T>G in individuals affected with Donnai Barrow Syndrome and no experimental evidence demonstrating its impact on protein function have been reported. No clinical diagnostic laboratories have submitted clinical-significance assessments for this variant to ClinVar after 2014. Based on the evidence outlined above, the variant was classified as uncertain significance.